The following is an entry in ClinVar:

ClinVar aggregate classification (germline): Likely benign. Review status: criteria provided, multiple submitters, no conflicts (2 of 4 stars). 3 submissions from 3 submitters: Likely benign (3). Last evaluated 2026-08-01.

Submissions (3):

CeGaT Center for Human Genetics Tuebingen
Classification: Likely benign. Last evaluated: 2026-08-01. Review status: criteria provided, single submitter. Criteria: CeGaT Center For Human Genetics Tuebingen Variant Classification Criteria Version 2. Collection method: clinical testing. Allele origin: germline. Affected: yes. Observed: 2 variant alleles.
Comment: DDX11: BP4, BP7

Labcorp Genetics (formerly Invitae), Labcorp
Classification: Likely benign. Last evaluated: 2026-02-02. Review status: criteria provided, single submitter. Criteria: Invitae Variant Classification Sherloc (09022015). Collection method: clinical testing. Allele origin: germline.

Blueprint Genetics
Classification: Likely benign. Last evaluated: 2024-11-26. Review status: criteria provided, single submitter. Criteria: ACMG Guidelines, 2015. Collection method: clinical testing. Allele origin: germline.

NM_030653.4(DDX11):c.1143G>A (p.Ala381=)

Gene: DDX11 (DEAD/H-box helicase 11; plus strand). Cytogenetic location: 12p11.21.
Variant type: single nucleotide variant.
Coding change: c.1143G>A on transcript NM_030653.4 (MANE Select); coding-DNA position 1143, G replaced by A.
Protein change: p.Ala381=; no amino-acid change (alanine 381 retained).
Molecular consequence: synonymous variant. On other transcripts: non-coding transcript variant (4).
Genome position (GRCh38, 1-based): chr12:31,091,772, G>A. VCF-style: chr12-31091772-G-A. GRCh37 (hg19) VCF-style: chr12-31244706-G-A.
Other names: c.1143G>A, p.Ala381= (NM_001257144.2, NM_001413692.1, NM_001413693.1 and 5 more transcripts); c.1065G>A, p.Ala355= (NM_001257145.2, NM_001413697.1, NM_001413698.1 and 1 more transcripts); c.1056G>A, p.Ala352= (NM_001413700.1); c.615G>A, p.Ala205= (NM_001413702.1, NM_001413703.1); c.282G>A, p.Ala94= (NM_001413704.1, NM_001413705.1); c.177G>A, p.Ala59= (NM_001413706.1).
Identifiers: ClinVar variation 4796981 (VCV004796981.6).